The following is an entry in ClinVar:

ClinVar aggregate classification (germline): Benign/Likely benign. Review status: criteria provided, multiple submitters, no conflicts (2 of 4 stars). 3 submissions from 3 submitters: Benign (1); Likely benign (2). Last evaluated 2025-08-18.

Conditions:
Hereditary cancer-predisposing syndrome. Also called: Tumor predisposition; Neoplastic Syndromes, Hereditary; Hereditary Cancer Syndrome; Hereditary neoplastic syndrome. Identifiers: Orphanet 140162, MedGen C0027672, MeSH D009386, MONDO:0015356.
Tuberous sclerosis 2 (TSC2). Identifiers: Orphanet 805, MedGen C1860707, MONDO:0013199, OMIM 613254.

Submissions (3):

Labcorp Genetics (formerly Invitae), Labcorp
Classification: Likely benign for Tuberous sclerosis 2. Last evaluated: 2025-08-18. Review status: criteria provided, single submitter. Criteria: Invitae Variant Classification Sherloc (09022015). Collection method: clinical testing. Allele origin: germline.

Myriad Genetics, Inc.
Classification: Benign for Tuberous sclerosis 2. Last evaluated: 2025-05-14. Review status: criteria provided, single submitter. Criteria: Myriad Autosomal Dominant, Autosomal Recessive and X-Linked Classification Criteria (2023). Collection method: clinical testing. Allele origin: unknown.
Comment: This variant is considered benign. This variant is a silent/synonymous amino acid change and it is not expected to impact splicing.

Ambry Genetics
Classification: Likely benign for Hereditary cancer-predisposing syndrome. Last evaluated: 2022-01-05. Review status: criteria provided, single submitter. Criteria: Ambry Variant Classification Scheme 2023. Collection method: clinical testing. Allele origin: germline.

NM_000548.5(TSC2):c.1545G>C (p.Leu515=)

Gene: TSC2 (TSC complex subunit 2; plus strand). Cytogenetic location: 16p13.3.
Variant type: single nucleotide variant.
Coding change: c.1545G>C on transcript NM_000548.5 (MANE Select); coding-DNA position 1545, G replaced by C.
Protein change: p.Leu515=; no amino-acid change (leucine 515 retained).
Molecular consequence: synonymous variant. On other transcripts: 5 prime UTR variant (1), non-coding transcript variant (5).
Genome position (GRCh38, 1-based): chr16:2,064,373, G>C. VCF-style: chr16-2064373-G-C. GRCh37 (hg19) VCF-style: chr16-2114374-G-C.
Other names: c.1545G>C, p.Leu515= (NM_001077183.3, NM_001114382.3, NM_001363528.2 and 6 more transcripts); c.1434G>C, p.Leu478= (NM_001318827.2, NM_001406670.1, NM_001406678.1); c.1398G>C, p.Leu466= (NM_001318829.2, NM_001406675.1, NM_001406676.1 and 1 more transcripts); c.945G>C, p.Leu315= (NM_001318831.2, NM_001406680.1, NM_001406682.1 and 6 more transcripts); c.1578G>C, p.Leu526= (NM_001318832.2); c.1635G>C, p.Leu545= (NM_001406667.1, NM_001406668.1); c.1533G>C, p.Leu511= (NM_001406671.1, NM_001406673.1); c.1488G>C, p.Leu496= (NM_001406677.1); and 3 more.
Identifiers: ClinVar variation 1774924 (VCV001774924.4), dbSNP rs2548571705, ClinGen allele CA492963021.